The following is an entry in ClinVar:

NM_001330260.2(SCN8A):c.5118T>C (p.Gly1706=)

Gene: SCN8A (sodium voltage-gated channel alpha subunit 8; plus strand). Cytogenetic location: 12q13.13.
Variant type: single nucleotide variant.
Coding change: c.5118T>C on transcript NM_001330260.2 (MANE Select); coding-DNA position 5118, T replaced by C.
Protein change: p.Gly1706=; no amino-acid change (glycine 1706 retained).
Molecular consequence: synonymous variant.
Genome position (GRCh38, 1-based): chr12:51,806,604, T>C. VCF-style: chr12-51806604-T-C. GRCh37 (hg19) VCF-style: chr12-52200388-T-C.
Other names: c.4995T>C, p.Gly1665= (NM_001177984.3, NM_001369788.1); c.5118T>C, p.Gly1706= (NM_014191.4).
Identifiers: ClinVar variation 391171 (VCV000391171.9), dbSNP rs776753024, ClinGen allele CA6571890.

ClinVar aggregate classification (germline): Likely benign. Review status: criteria provided, multiple submitters, no conflicts (2 of 4 stars). 2 submissions from 2 submitters: Likely benign (2). Last evaluated 2025-05-07.

Conditions:
Early-infantile DEE. Also called: Early infantile epileptic encephalopathy with suppression bursts; Ohtahara syndrome; Early infantile epileptic encephalopathy. Identifiers: Orphanet 1934, MedGen C0393706, MONDO:0800491.

Allele frequency attached by ClinVar (database versions not stated): gnomAD exomes below 0.00001 and 0.00002; ExAC 0.00001; gnomAD 0.00001; TOPMed 0.00002.
gnomAD v4.1: 31 of 1,614,018 alleles (0.0019%); highest among the groups gnomAD compares: Non-Finnish European, 0.0025%; no homozygotes.

Submissions (2):

Labcorp Genetics (formerly Invitae), Labcorp
Classification: Likely benign for Early-infantile DEE. Last evaluated: 2025-05-07. Review status: criteria provided, single submitter. Criteria: Invitae Variant Classification Sherloc (09022015). Collection method: clinical testing. Allele origin: germline.

GeneDx
Classification: Likely benign. Last evaluated: 2016-11-25. Review status: criteria provided, single submitter. Criteria: GeneDx Variant Classification (06012015). Collection method: clinical testing. Allele origin: germline. Affected: yes.
Comment: This variant is considered likely benign or benign based on one or more of the following criteria: it is a conservative change, it occurs at a poorly conserved position in the protein, it is predicted to be benign by multiple in silico algorithms, and/or has population frequency not consistent with disease.